The following is an entry in ClinVar:

ClinVar aggregate classification (germline): Uncertain significance. Review status: criteria provided, multiple submitters, no conflicts (2 of 4 stars). 5 submissions from 5 submitters: Uncertain significance (5). Last evaluated 2026-06-21.

Conditions:
CNGB1-related disorder. Also called: CNGB1-related condition.
Retinal dystrophy. Also called: Inherited retinal dystrophy. Identifiers: Orphanet 71862, MedGen C0854723, MeSH D058499, MONDO:0019118, HP:0000556.
Inborn genetic diseases. Identifiers: MedGen C0950123, MeSH D030342.

Allele frequency attached by ClinVar (database versions not stated): gnomAD 0.00017 and 0.00019; TOPMed 0.00019; ESP Exome Variant Server 0.00024.
gnomAD v4.1: 150 of 1,613,994 alleles (0.0093%); highest among the groups gnomAD compares: Admixed American, 0.037%; 1 homozygote.

Submissions (5):

PreventionGenetics, part of Exact Sciences
Classification: Uncertain significance for CNGB1-related condition. Last evaluated: 2026-06-21. Review status: criteria provided, single submitter. Criteria: ACMG Guidelines, 2015. Collection method: clinical testing. Allele origin: germline.
Comment: The CNGB1 c.3286G>A variant is predicted to result in the amino acid substitution p.Val1096Met. To our knowledge, this variant has not been reported in the literature. This variant is reported in 0.034% of alleles in individuals of Latino descent in gnomAD. At this time, the clinical significance of this variant is uncertain due to the absence of conclusive functional and genetic evidence.

Blueprint Genetics
Classification: Uncertain significance. Last evaluated: 2024-07-15. Review status: criteria provided, single submitter. Criteria: ACMG Guidelines, 2015. Collection method: clinical testing. Allele origin: germline.

Dept Of Ophthalmology, Nagoya University
Classification: Uncertain significance for Retinal dystrophy. Last evaluated: 2023-10-01. Review status: criteria provided, single submitter. Criteria: Submitter's publication. Collection method: research. Allele origin: germline. Affected: yes.

Ambry Genetics
Classification: Uncertain significance for Inborn genetic diseases. Last evaluated: 2022-11-10. Review status: criteria provided, single submitter. Criteria: Ambry Variant Classification Scheme 2023. Collection method: clinical testing. Allele origin: germline.

Labcorp Genetics (formerly Invitae), Labcorp
Classification: Uncertain significance. Last evaluated: 2022-08-16. Review status: criteria provided, single submitter. Criteria: Invitae Variant Classification Sherloc (09022015). Collection method: clinical testing. Allele origin: germline.
Comment: This sequence change replaces valine, which is neutral and non-polar, with methionine, which is neutral and non-polar, at codon 1096 of the CNGB1 protein (p.Val1096Met). This variant is present in population databases (rs376128303, gnomAD 0.03%). This variant has not been reported in the literature in individuals affected with CNGB1-related conditions. ClinVar contains an entry for this variant (Variation ID: 852740). Advanced modeling of protein sequence and biophysical properties (such as structural, functional, and spatial information, amino acid conservation, physicochemical variation, residue mobility, and thermodynamic stability) performed at Invitae indicates that this missense variant is not expected to disrupt CNGB1 protein function. In summary, the available evidence is currently insufficient to determine the role of this variant in disease. Therefore, it has been classified as a Variant of Uncertain Significance.

NM_001297.5(CNGB1):c.3286G>A (p.Val1096Met)

Gene: CNGB1 (cyclic nucleotide gated channel subunit beta 1; minus strand). Cytogenetic location: 16q21.
Variant type: single nucleotide variant.
Coding change: c.3286G>A on transcript NM_001297.5 (MANE Select); coding-DNA position 3286, G replaced by A.
Protein change: p.Val1096Met; replaces valine 1096 with methionine.
Molecular consequence: missense variant.
Genome position (GRCh38, 1-based): chr16:57,888,031, C>T on the plus strand (G>A on the coding strand, the complement: CNGB1 is on the minus strand). VCF-style: chr16-57888031-C-T. GRCh37 (hg19) VCF-style: chr16-57921935-C-T.
Other names: c.3268G>A, p.Val1090Met (NM_001286130.2); short protein forms V1096M, V1090M.
Identifiers: ClinVar variation 852740 (VCV000852740.10), dbSNP rs376128303, ClinGen allele CA8082606.